The following is an entry in ClinVar:

NM_002860.4(ALDH18A1):c.721A>G (p.Ile241Val)

Gene: ALDH18A1 (aldehyde dehydrogenase 18 family member A1; minus strand). Cytogenetic location: 10q24.1.
Variant type: single nucleotide variant.
Coding change: c.721A>G on transcript NM_002860.4 (MANE Select); coding-DNA position 721, A replaced by G.
Protein change: p.Ile241Val; replaces isoleucine 241 with valine.
Molecular consequence: missense variant.
Genome position (GRCh38, 1-based): chr10:95,633,046, T>C on the plus strand (A>G on the coding strand, the complement: ALDH18A1 is on the minus strand). VCF-style: chr10-95633046-T-C. GRCh37 (hg19) VCF-style: chr10-97392803-T-C.
Other names: c.715A>G, p.Ile239Val (NM_001017423.2, NM_001323415.2); c.388A>G, p.Ile130Val (NM_001323412.2, NM_001323416.2); c.721A>G, p.Ile241Val (NM_001323413.2, NM_001323414.2); c.616A>G, p.Ile206Val (NM_001323417.2); c.382A>G, p.Ile128Val (NM_001323418.2); c.85A>G, p.Ile29Val (NM_001323419.2); c.721A>G (NM_002860.3); short protein forms I128V, I130V, I206V, I239V, I241V, I29V.
Identifiers: ClinVar variation 3068566 (VCV003068566.4), dbSNP rs2526867949, ClinGen allele CA377705115.

ClinVar aggregate classification (germline): Uncertain significance. Review status: criteria provided, multiple submitters, no conflicts (2 of 4 stars). 4 submissions from 4 submitters: Uncertain significance (4). Last evaluated 2025-01-08.

Conditions:
Hereditary spastic paraplegia 9A. Also called: SPASTIC PARAPLEGIA 9A, AUTOSOMAL DOMINANT; CATARACTS WITH MOTOR NEURONOPATHY, SHORT STATURE, AND SKELETAL ABNORMALITIES; SPASTIC PARAPARESIS WITH AMYOTROPHY, CATARACTS, AND GASTROESOPHAGEAL REFLUX. Identifiers: Orphanet 100990, Orphanet 447753, MedGen C5568978, MONDO:0011006, OMIM 601162.
Hereditary spastic paraplegia. Also called: Familial spastic paraparesis. Identifiers: Orphanet 685, MedGen C0037773, MONDO:0019064. Disease mechanism: loss of function.

Submissions (4):

3billion
Classification: Uncertain significance for Hereditary spastic paraplegia 9A. Last evaluated: 2025-01-08. Review status: criteria provided, single submitter. Criteria: ACMG Guidelines, 2015. Collection method: clinical testing. Allele origin: germline. Affected: yes.
Comment: The variant is not observed in the gnomAD v4.1.0 dataset. Predicted Consequence/Location: Missense variant In silico tool predictions suggest damaging effect of the variant on gene or gene product [3Cnet: 0.98 (>=0.6, sensitivity 0.72 and precision 0.9)]. The variant has been reported as of uncertain significance (ClinVar ID: VCV003068566). Therefore, this variant is classified as VUS according to the recommendation of ACMG/AMP guideline.

Blueprint Genetics
Classification: Uncertain significance. Last evaluated: 2024-09-21. Review status: criteria provided, single submitter. Criteria: ACMG Guidelines, 2015. Collection method: clinical testing. Allele origin: germline.

GeneDx
Classification: Uncertain significance. Last evaluated: 2023-04-14. Review status: criteria provided, single submitter. Criteria: GeneDx Variant Classification Process June 2021. Collection method: clinical testing. Allele origin: germline. Affected: yes.
Comment: Not observed at significant frequency in large population cohorts (gnomAD); In silico analysis supports that this missense variant does not alter protein structure/function; Has not been previously published as pathogenic or benign to our knowledge

Molecular Genetics, Royal Melbourne Hospital
Classification: Uncertain significance for Hereditary spastic paraplegia. Last evaluated: 2022-09-05. Review status: criteria provided, single submitter. Criteria: ACMG Guidelines, 2015. Collection method: clinical testing. Allele origin: germline. Inheritance: Semidominant inheritance. Affected: yes.
Comment: This sequence change in ALDH18A1 is predicted to replace isoleucine with valine at codon 241, p.(Ile241Val). The isoleucine residue is highly conserved (100 vertebrates, UCSC), and is located in the glutamate-5 kinase domain. There is a small physicochemical difference between isoleucine and valine. This variant is absent from the population database gnomAD v2.1 and v3.1. To our knowledge, this variant has not been reported in the literature in any individuals with ALDH18A1-related disease. Multiple lines of computational evidence have conflicting predictions for the missense substitution (3/6 algorithms predict deleterious). Based on the classification scheme RMH Modified ACMG Guidelines v1.5.1, this variant is classified as a VARIANT OF UNCERTAIN SIGNIFICANCE. Following criteria are met: PM2_Supporting.